The following is an entry in ClinVar:

NM_000051.4(ATM):c.1121A>G (p.Gln374Arg)

Gene: ATM (ATM serine/threonine kinase; plus strand). Cytogenetic location: 11q22.3.
Variant type: single nucleotide variant.
Coding change: c.1121A>G on transcript NM_000051.4 (MANE Select); coding-DNA position 1121, A replaced by G.
Protein change: p.Gln374Arg; replaces glutamine 374 with arginine.
Molecular consequence: missense variant.
Genome position (GRCh38, 1-based): chr11:108,248,988, A>G. VCF-style: chr11-108248988-A-G. GRCh37 (hg19) VCF-style: chr11-108119715-A-G.
Other names: c.1121A>G, p.Gln374Arg (NM_001351834.2); short protein forms Q374R.
Identifiers: ClinVar variation 482625 (VCV000482625.12), dbSNP rs1555069640, ClinGen allele CA382532423.

ClinVar aggregate classification (germline): Conflicting classifications of pathogenicity. Review status: criteria provided, conflicting classifications (1 of 4 stars). 2 submissions from 2 submitters: Uncertain significance (1); Likely benign (1). Last evaluated 2025-07-30.

Conditions:
Hereditary cancer-predisposing syndrome. Also called: Hereditary neoplastic syndrome; Neoplastic Syndromes, Hereditary; Tumor predisposition; Hereditary Cancer Syndrome. Identifiers: Orphanet 140162, MedGen C0027672, MeSH D009386, MONDO:0015356.
Ataxia-telangiectasia syndrome (AT). Also called: LOUIS-BAR SYNDROME; Cerebello-oculocutaneous telangiectasia; Immunodeficiency with ataxia telangiectasia; AT, COMPLEMENTATION GROUP C; Ataxia-telangiectasia, complementation group D; ATAXIA-TELANGIECTASIA, COMPLEMENTATION GROUP A. Identifiers: Orphanet 100, MedGen C0004135, MONDO:0008840, OMIM 208900.

gnomAD v4.1: 1 of 1,613,196 alleles (0.000062%); highest among the groups gnomAD compares: Non-Finnish European, 0.000085%; no homozygotes.

Submissions (2):

Labcorp Genetics (formerly Invitae), Labcorp
Classification: Uncertain significance for Ataxia-telangiectasia syndrome. Last evaluated: 2025-07-30. Review status: criteria provided, single submitter. Criteria: Invitae Variant Classification Sherloc (09022015). Collection method: clinical testing. Allele origin: germline.
Comment: This sequence change replaces glutamine, which is neutral and polar, with arginine, which is basic and polar, at codon 374 of the ATM protein (p.Gln374Arg). This variant is not present in population databases (gnomAD no frequency). This variant has not been reported in the literature in individuals affected with ATM-related conditions. ClinVar contains an entry for this variant (Variation ID: 482625). Invitae Evidence Modeling of protein sequence and biophysical properties (such as structural, functional, and spatial information, amino acid conservation, physicochemical variation, residue mobility, and thermodynamic stability) indicates that this missense variant is not expected to disrupt ATM protein function with a negative predictive value of 95%. In summary, the available evidence is currently insufficient to determine the role of this variant in disease. Therefore, it has been classified as a Variant of Uncertain Significance.

Ambry Genetics
Classification: Likely benign for Hereditary cancer-predisposing syndrome. Last evaluated: 2024-10-08. Review status: criteria provided, single submitter. Criteria: Ambry Variant Classification Scheme 2023. Collection method: clinical testing. Allele origin: germline.